The following is an entry in ClinVar:

ClinVar aggregate classification (germline): Uncertain significance. Review status: criteria provided, multiple submitters, no conflicts (2 of 4 stars). 2 submissions from 2 submitters: Uncertain significance (2). Last evaluated 2025-06-30.

Conditions:
RASopathy. Also called: rasopathies; Noonan spectrum disorder. Identifiers: Orphanet 536391, MedGen C5555857, MONDO:0021060.

Allele frequency attached by ClinVar (database versions not stated): gnomAD exomes below 0.00001.
gnomAD v4.1: 1 of 1,613,772 alleles (0.000062%); highest among the groups gnomAD compares: Non-Finnish European, 0.000085%; no homozygotes.

Submissions (2):

GeneDx
Classification: Uncertain significance. Last evaluated: 2025-06-30. Review status: criteria provided, single submitter. Criteria: GeneDx Variant Classification Process June 2021. Collection method: clinical testing. Allele origin: germline. Affected: yes.
Comment: Identified in a patient with Noonan syndrome who also harbored the p.(Y396H) variant in cis, as both variants were present in this individual's father who had congenital total alopecia as the only feature (PMID: 24451042); Not observed at significant frequency in large population cohorts (gnomAD); In silico analysis supports that this missense variant has a deleterious effect on protein structure/function; Missense variants in this gene are a common cause of disease and they are underrepresented in the general population; This variant is associated with the following publications: (PMID: 24451042)

Labcorp Genetics (formerly Invitae), Labcorp
Classification: Uncertain significance for RASopathy. Last evaluated: 2022-06-28. Review status: criteria provided, single submitter. Criteria: Invitae Variant Classification Sherloc (09022015). Collection method: clinical testing. Allele origin: germline.
Comment: This missense change has been observed in individual(s) with Noonan syndrome (PMID: 24451042). This variant is not present in population databases (gnomAD no frequency). This sequence change replaces aspartic acid, which is acidic and polar, with tyrosine, which is neutral and polar, at codon 395 of the PTPN11 protein (p.Asp395Tyr). Algorithms developed to predict the effect of missense changes on protein structure and function are either unavailable or do not agree on the potential impact of this missense change (SIFT: "Tolerated"; PolyPhen-2: "Probably Damaging"; Align-GVGD: "Class C0"). In summary, the available evidence is currently insufficient to determine the role of this variant in disease. Therefore, it has been classified as a Variant of Uncertain Significance.

Literature cited by the submitters: PubMed 24451042 (cited by Labcorp Genetics (formerly Invitae), Labcorp).

NM_002834.5(PTPN11):c.1183G>T (p.Asp395Tyr)

Gene: PTPN11 (protein tyrosine phosphatase non-receptor type 11; plus strand). Cytogenetic location: 12q24.13.
Variant type: single nucleotide variant.
Coding change: c.1183G>T on transcript NM_002834.5 (MANE Select); coding-DNA position 1183, G replaced by T.
Protein change: p.Asp395Tyr; replaces aspartic acid 395 with tyrosine.
Molecular consequence: missense variant.
Genome position (GRCh38, 1-based): chr12:112,482,164, G>T. VCF-style: chr12-112482164-G-T. GRCh37 (hg19) VCF-style: chr12-112919968-G-T.
Other names: c.1183G>T, p.Asp395Tyr (NM_001330437.2, NM_080601.3); c.1180G>T, p.Asp394Tyr (NM_001374625.1); short protein forms D394Y, D395Y.
Identifiers: ClinVar variation 2095925 (VCV002095925.5), dbSNP rs2540457132, ClinGen allele CA386775918.